The following is an entry in ClinVar:

NM_002317.7(LOX):c.319G>A (p.Ala107Thr)

Genes: LOX (lysyl oxidase; minus strand), SRFBP1 (serum response factor binding protein 1; plus strand). Cytogenetic location: 5q23.1.
Variant type: single nucleotide variant.
Coding change: c.319G>A on transcript NM_002317.7 (MANE Select); coding-DNA position 319, G replaced by A.
Protein change: p.Ala107Thr; replaces alanine 107 with threonine.
Molecular consequence: missense variant.
Genome position (GRCh38, 1-based): chr5:122,077,667, C>T on the plus strand (G>A on the coding strand, the complement: LOX is on the minus strand). VCF-style: chr5-122077667-C-T. GRCh37 (hg19) VCF-style: chr5-121413362-C-T.
Other names: short protein forms A107T.
Identifiers: ClinVar variation 1728769 (VCV001728769.3), dbSNP rs1472377407, ClinGen allele CA360876925.

ClinVar aggregate classification (germline): Uncertain significance. Review status: criteria provided, multiple submitters, no conflicts (2 of 4 stars). 2 submissions from 2 submitters: Uncertain significance (2). Last evaluated 2025-03-07.

Conditions:
Cardiovascular phenotype. Identifiers: MedGen CN230736.

Allele frequency attached by ClinVar (database versions not stated): TOPMed below 0.00001; gnomAD 0.00001.
gnomAD v4.1: 12 of 1,605,224 alleles (0.00075%); highest among the groups gnomAD compares: Non-Finnish European, 0.00093%; no homozygotes.

Submissions (2):

Labcorp Genetics (formerly Invitae), Labcorp
Classification: Uncertain significance. Last evaluated: 2025-03-07. Review status: criteria provided, single submitter. Criteria: Invitae Variant Classification Sherloc (09022015). Collection method: clinical testing. Allele origin: germline.
Comment: This sequence change replaces alanine, which is neutral and non-polar, with threonine, which is neutral and polar, at codon 107 of the LOX protein (p.Ala107Thr). The frequency data for this variant in the population databases is considered unreliable, as metrics indicate poor data quality at this position in the gnomAD database. This variant has not been reported in the literature in individuals affected with LOX-related conditions. ClinVar contains an entry for this variant (Variation ID: 1728769). Invitae Evidence Modeling of protein sequence and biophysical properties (such as structural, functional, and spatial information, amino acid conservation, physicochemical variation, residue mobility, and thermodynamic stability) indicates that this missense variant is not expected to disrupt LOX protein function with a negative predictive value of 95%. In summary, the available evidence is currently insufficient to determine the role of this variant in disease. Therefore, it has been classified as a Variant of Uncertain Significance.

Ambry Genetics
Classification: Uncertain significance for Cardiovascular phenotype. Last evaluated: 2020-01-28. Review status: criteria provided, single submitter. Criteria: Ambry Variant Classification Scheme 2023. Collection method: clinical testing. Allele origin: germline.
Comment: The p.A107T variant (also known as c.319G>A), located in coding exon 1 of the LOX gene, results from a G to A substitution at nucleotide position 319. The alanine at codon 107 is replaced by threonine, an amino acid with similar properties. This amino acid position is poorly conserved in available vertebrate species. In addition, this alteration is predicted to be tolerated by in silico analysis. Since supporting evidence is limited at this time, the clinical significance of this alteration remains unclear.